The following is an entry in ClinVar:

ClinVar aggregate classification (germline): Uncertain significance (1 of 4 stars; one submission).

Conditions:
Cardiovascular phenotype. Identifiers: MedGen CN230736.
Hereditary cancer-predisposing syndrome. Also called: Hereditary neoplastic syndrome; Neoplastic Syndromes, Hereditary; Tumor predisposition; Hereditary Cancer Syndrome. Identifiers: Orphanet 140162, MedGen C0027672, MeSH D009386, MONDO:0015356.

Submission:

Ambry Genetics
Classification: Uncertain significance for Cardiovascular phenotype; Hereditary cancer-predisposing syndrome. Last evaluated: 2025-08-07. Review status: criteria provided, single submitter. Criteria: Ambry Variant Classification Scheme 2023. Collection method: clinical testing. Allele origin: germline.
Comment: The p.L2060F variant (also known as c.6180A>T), located in coding exon 41 of the NF1 gene, results from an A to T substitution at nucleotide position 6180. The leucine at codon 2060 is replaced by phenylalanine, an amino acid with highly similar properties. This amino acid position is conserved. In addition, this alteration is predicted to be deleterious by in silico analysis. Based on the available evidence, the clinical significance of this variant remains unclear.

NM_001042492.3(NF1):c.6243A>T (p.Leu2081Phe)

Gene: NF1 (neurofibromin 1; plus strand). Cytogenetic location: 17q11.2.
Variant type: single nucleotide variant.
Coding change: c.6243A>T on transcript NM_001042492.3 (MANE Select); coding-DNA position 6243, A replaced by T.
Protein change: p.Leu2081Phe; replaces leucine 2081 with phenylalanine.
Molecular consequence: missense variant.
Genome position (GRCh38, 1-based): chr17:31,336,730, A>T. VCF-style: chr17-31336730-A-T. GRCh37 (hg19) VCF-style: chr17-29663748-A-T.
Other names: c.6180A>T, p.Leu2060Phe (NM_000267.4); short protein forms L2081F, L2060F.
Identifiers: ClinVar variation 4119131 (VCV004119131.1).